The following is an entry in ClinVar:

NM_015335.5(MED13L):c.5170C>G (p.Leu1724Val)

Gene: MED13L (mediator complex subunit 13L; minus strand). Cytogenetic location: 12q24.21.
Variant type: single nucleotide variant.
Coding change: c.5170C>G on transcript NM_015335.5 (MANE Select); coding-DNA position 5170, C replaced by G.
Protein change: p.Leu1724Val; replaces leucine 1724 with valine.
Molecular consequence: missense variant.
Genome position (GRCh38, 1-based): chr12:115,982,389, G>C on the plus strand (C>G on the coding strand, the complement: MED13L is on the minus strand). VCF-style: chr12-115982389-G-C. GRCh37 (hg19) VCF-style: chr12-116420194-G-C.
Other names: short protein forms L1724V.
Identifiers: ClinVar variation 4624812 (VCV004624812.2).

ClinVar aggregate classification (germline): Uncertain significance. Review status: criteria provided, multiple submitters, no conflicts (2 of 4 stars). 2 submissions from 2 submitters: Uncertain significance (2). Last evaluated 2025-12-08.

Conditions:
Inborn genetic diseases. Identifiers: MedGen C0950123, MeSH D030342.
Dextro-looped transposition of the great arteries. Also called: Dextrotransposition of the great arteries. Identifiers: Orphanet 860, MedGen C3531771, MONDO:0019443, OMIM 608808, HP:0031348.

gnomAD v4.1: 2 of 1,609,872 alleles (0.00012%); highest among the groups gnomAD compares: Admixed American, 0.0017%; no homozygotes.

Submissions (2):

Ambry Genetics
Classification: Uncertain significance for Inborn genetic diseases. Last evaluated: 2025-12-08. Review status: criteria provided, single submitter. Criteria: Ambry Variant Classification Scheme 2023. Collection method: clinical testing. Allele origin: germline.

Labcorp Genetics (formerly Invitae), Labcorp
Classification: Uncertain significance for Dextro-looped transposition of the great arteries. Last evaluated: 2025-07-30. Review status: criteria provided, single submitter. Criteria: Invitae Variant Classification Sherloc (09022015). Collection method: clinical testing. Allele origin: germline.
Comment: This sequence change replaces leucine, which is neutral and non-polar, with valine, which is neutral and non-polar, at codon 1724 of the MED13L protein (p.Leu1724Val). This variant is present in population databases (no rsID available, gnomAD 0.003%). This variant has not been reported in the literature in individuals affected with MED13L-related conditions. Invitae Evidence Modeling of protein sequence and biophysical properties (such as structural, functional, and spatial information, amino acid conservation, physicochemical variation, residue mobility, and thermodynamic stability) indicates that this missense variant is not expected to disrupt MED13L protein function with a negative predictive value of 80%. In summary, the available evidence is currently insufficient to determine the role of this variant in disease. Therefore, it has been classified as a Variant of Uncertain Significance.